The following is an entry in ClinVar:

NM_002471.4(MYH6):c.4526-9G>C

Gene: MYH6 (myosin heavy chain 6; minus strand). Cytogenetic location: 14q11.2.
Variant type: single nucleotide variant.
Coding change: c.4526-9G>C on transcript NM_002471.4 (MANE Select); 9 bases into the intron before coding-DNA position 4526, G replaced by C.
Molecular consequence: intron variant.
Genome position (GRCh38, 1-based): chr14:23,387,662, C>G on the plus strand (G>C on the coding strand, the complement: MYH6 is on the minus strand). VCF-style: chr14-23387662-C-G. GRCh37 (hg19) VCF-style: chr14-23856871-C-G.
Other names: c.4526-9G>C (NM_002471.3).
Identifiers: ClinVar variation 1121627 (VCV001121627.13), dbSNP rs201785356, ClinGen allele CA7114722.

ClinVar aggregate classification (germline): Likely benign. Review status: criteria provided, multiple submitters, no conflicts (2 of 4 stars). 5 submissions from 5 submitters: Likely benign (5). Last evaluated 2026-06-26.

Conditions:
Atrial septal defect 3 (ASD3). Identifiers: Orphanet 1478, MedGen C3279790, MONDO:0013567, OMIM 614089.
Sick sinus syndrome 3, susceptibility to (SSS3). Identifiers: Orphanet 166282, MedGen C3279791, MONDO:0013568, OMIM 614090.
Dilated cardiomyopathy 1EE (CMD1EE). Identifiers: Orphanet 154, MedGen C2750466, MONDO:0013198, OMIM 613252.
Hypertrophic cardiomyopathy 14. Identifiers: MedGen C2750467, MONDO:0013197, OMIM 613251.
Hypertrophic cardiomyopathy 1 (CMH1). Also called: MYH7-Related Familial Hypertrophic Cardiomyopathy; Familial hypertrophic cardiomyopathy 1. Identifiers: MedGen C3495498, MONDO:0008647, OMIM 192600.
MYH6-related disorder. Also called: MYH6-related condition; MYH6-Related Disorders.

Allele frequency attached by ClinVar (database versions not stated): ExAC 0.00002; gnomAD exomes 0.00003; ESP Exome Variant Server 0.00008; gnomAD 0.00012 and 0.00013; TOPMed 0.00013; 1000 Genomes Project 30x 0.00047; 1000 Genomes Project 0.00060.
gnomAD v4.1: 49 of 1,614,102 alleles (0.003%); highest among the groups gnomAD compares: African/African-American, 0.047%; no homozygotes.

Submissions (5):

Women's Health and Genetics/Laboratory Corporation of America, LabCorp
Classification: Likely benign. Last evaluated: 2026-06-26. Review status: criteria provided, single submitter. Criteria: LabCorp Variant Classification Summary - May 2015. Collection method: clinical testing. Allele origin: germline.

Labcorp Genetics (formerly Invitae), Labcorp
Classification: Likely benign for Hypertrophic cardiomyopathy 14. Last evaluated: 2025-12-08. Review status: criteria provided, single submitter. Criteria: Invitae Variant Classification Sherloc (09022015). Collection method: clinical testing. Allele origin: germline.

PreventionGenetics, part of Exact Sciences
Classification: Likely benign for MYH6-related condition. Last evaluated: 2025-07-30. Review status: criteria provided, single submitter. Criteria: ACMG Guidelines, 2015. Collection method: clinical testing. Allele origin: germline.
Comment: This variant is classified as likely benign based on ACMG/AMP sequence variant interpretation guidelines (Richards et al. 2015 PMID: 25741868, with internal and published modifications).

ARUP Laboratories, Molecular Genetics and Genomics, ARUP Laboratories
Classification: Likely benign. Last evaluated: 2023-01-03. Review status: criteria provided, single submitter. Criteria: ARUP Molecular Germline Variant Investigation Process 2024. Collection method: clinical testing. Allele origin: germline.

Fulgent Genetics
Classification: Likely benign for Hypertrophic cardiomyopathy 1; Hypertrophic cardiomyopathy 14; Dilated cardiomyopathy 1EE; Atrial septal defect 3; Sick sinus syndrome 3, susceptibility to. Last evaluated: 2021-08-31. Review status: criteria provided, single submitter. Criteria: ACMG Guidelines, 2015. Collection method: clinical testing. Allele origin: unknown.